The following is an entry in ClinVar:

NM_000051.4(ATM):c.2638+5A>G

Gene: ATM (ATM serine/threonine kinase; plus strand). Cytogenetic location: 11q22.3.
Variant type: single nucleotide variant.
Coding change: c.2638+5A>G on transcript NM_000051.4 (MANE Select); 5 bases into the intron after coding-DNA position 2638, A replaced by G.
Molecular consequence: intron variant.
Genome position (GRCh38, 1-based): chr11:108,267,347, A>G. VCF-style: chr11-108267347-A-G. GRCh37 (hg19) VCF-style: chr11-108138074-A-G.
Other names: c.2638+5A>G (NM_001351834.2).
Identifiers: ClinVar variation 918304 (VCV000918304.9), dbSNP rs2081314537, ClinGen allele CA1139662214.

ClinVar aggregate classification (germline): Conflicting classifications of pathogenicity. Review status: criteria provided, conflicting classifications (1 of 4 stars). 4 submissions from 4 submitters: Uncertain significance (2); Likely benign (2). Last evaluated 2026-05-07.

Conditions:
Hereditary cancer-predisposing syndrome. Also called: Hereditary Cancer Syndrome; Neoplastic Syndromes, Hereditary; Tumor predisposition; Hereditary neoplastic syndrome. Identifiers: Orphanet 140162, MedGen C0027672, MeSH D009386, MONDO:0015356.
Familial cancer of breast. Also called: BREAST CANCER, FAMILIAL; Hereditary breast cancer; hereditary breast carcinoma. Identifiers: Orphanet 227535, MedGen C0346153, MONDO:0016419, OMIM 114480. Disease mechanism: loss of function.
Ataxia-telangiectasia syndrome (AT). Also called: LOUIS-BAR SYNDROME; Ataxia-telangiectasia, complementation group D; Cerebello-oculocutaneous telangiectasia; Immunodeficiency with ataxia telangiectasia; AT, COMPLEMENTATION GROUP C; ATAXIA-TELANGIECTASIA, COMPLEMENTATION GROUP A. Identifiers: Orphanet 100, MedGen C0004135, MONDO:0008840, OMIM 208900.

Submissions (4):

Ambry Genetics
Classification: Likely benign for Hereditary cancer-predisposing syndrome. Last evaluated: 2026-05-07. Review status: criteria provided, single submitter. Criteria: Ambry Variant Classification Scheme 2023. Collection method: clinical testing. Allele origin: germline.

Labcorp Genetics (formerly Invitae), Labcorp
Classification: Uncertain significance for Ataxia-telangiectasia syndrome. Last evaluated: 2025-04-29. Review status: criteria provided, single submitter. Criteria: Invitae Variant Classification Sherloc (09022015). Collection method: clinical testing. Allele origin: germline.
Comment: This sequence change falls in intron 17 of the ATM gene. It does not directly change the encoded amino acid sequence of the ATM protein. It affects a nucleotide within the consensus splice site. This variant is not present in population databases (gnomAD no frequency). This variant has not been reported in the literature in individuals affected with ATM-related conditions. ClinVar contains an entry for this variant (Variation ID: 918304). Variants that disrupt the consensus splice site are a relatively common cause of aberrant splicing (PMID: 17576681, 9536098). Algorithms developed to predict the effect of sequence changes on RNA splicing suggest that this variant is not likely to affect RNA splicing. In summary, the available evidence is currently insufficient to determine the role of this variant in disease. Therefore, it has been classified as a Variant of Uncertain Significance.

Myriad Genetics, Inc.
Classification: Likely benign for Familial cancer of breast. Last evaluated: 2024-05-09. Review status: criteria provided, single submitter. Criteria: Myriad Autosomal Dominant, Autosomal Recessive and X-Linked Classification Criteria (2023). Collection method: clinical testing. Allele origin: unknown.
Comment: This variant is considered likely benign. This variant is intronic and is not expected to impact mRNA splicing.

Color Diagnostics, LLC DBA Color Health
Classification: Uncertain significance for Hereditary cancer-predisposing syndrome. Last evaluated: 2019-11-19. Review status: criteria provided, single submitter. Criteria: ACMG Guidelines, 2015. Collection method: clinical testing. Allele origin: germline.
Comment: This variant causes an A>G nucleotide substitution at the +5 position of intron 17 of the ATM gene. To our knowledge, functional studies have not been performed for this variant. This variant has not been reported in individuals affected with hereditary cancer in the literature. This variant has not been identified in the general population by the Genome Aggregation Database (gnomAD). The available evidence is insufficient to determine the role of this variant in disease conclusively. Therefore, this variant is classified as a Variant of Uncertain Significance.

Literature cited by the submitters: PubMed 17576681 (cited by Labcorp Genetics (formerly Invitae), Labcorp); PubMed 9536098 (cited by Labcorp Genetics (formerly Invitae), Labcorp).